The following is an entry in ClinVar:

ClinVar aggregate classification (germline): Conflicting classifications of pathogenicity. Review status: criteria provided, conflicting classifications (1 of 4 stars). 6 submissions from 6 submitters: Uncertain significance (2); Benign (1); Likely benign (2). 1 of the submissions does not count toward it. Last evaluated 2025-11-04.

Conditions:
CHARGE syndrome (CHARGE). Also called: Coloboma, heart anomaly, choanal atresia, retardation, genital and ear anomalies; CHARGE association; Hall-Hittner syndrome; Hittner Hirsch Kreh syndrome; CHARGE ASSOCIATION--COLOBOMA, HEART ANOMALY, CHOANAL ATRESIA, RETARDATION, GENITAL AND EAR ANOMALIES. Identifiers: Orphanet 138, MedGen C0265354, MONDO:0008965.
CHD7-related disorder. Also called: CHD7-related condition.
Inborn genetic diseases. Identifiers: MedGen C0950123, MeSH D030342.
Hypogonadotropic hypogonadism 5 with or without anosmia (KAL5). Also called: HYPOGONADOTROPIC HYPOGONADISM 5 WITH ANOSMIA; HYPOGONADOTROPHIC HYPOGONADISM 5 WITHOUT ANOSMIA; CHD7-Related GnRH Deficiency (Kallmann Syndrome 5). Identifiers: Orphanet 478, MedGen C3552553, MONDO:0012880, OMIM 612370. Disease mechanism: loss of function.

Allele frequency attached by ClinVar (database versions not stated): gnomAD 0.00001; gnomAD exomes 0.00001 and 0.00002; TOPMed 0.00001; ExAC 0.00004; ESP Exome Variant Server 0.00016.
gnomAD v4.1: 20 of 1,613,838 alleles (0.0012%); highest among the groups gnomAD compares: South Asian, 0.0077%; no homozygotes.

Submissions (6):

Labcorp Genetics (formerly Invitae), Labcorp
Classification: Benign for CHARGE syndrome. Last evaluated: 2025-11-04. Review status: criteria provided, single submitter. Criteria: Invitae Variant Classification Sherloc (09022015). Collection method: clinical testing. Allele origin: germline.

CeGaT Center for Human Genetics Tuebingen
Classification: Uncertain significance. Last evaluated: 2025-09-01. Review status: criteria provided, single submitter. Criteria: CeGaT Center For Human Genetics Tuebingen Variant Classification Criteria Version 2. Collection method: clinical testing. Allele origin: germline. Affected: yes. Observed: 1 variant allele.

Ambry Genetics
Classification: Likely benign for Inborn genetic diseases. Last evaluated: 2025-05-03. Review status: criteria provided, single submitter. Criteria: Ambry Variant Classification Scheme 2023. Collection method: clinical testing. Allele origin: germline.

GeneDx
Classification: Uncertain significance. Last evaluated: 2024-07-10. Review status: criteria provided, single submitter. Criteria: GeneDx Variant Classification Process June 2021. Collection method: clinical testing. Allele origin: germline. Affected: yes.
Comment: In silico analysis supports that this missense variant has a deleterious effect on protein structure/function; Has not been previously published as pathogenic or benign to our knowledge

Fulgent Genetics
Classification: Likely benign for CHD7-related CHARGE syndrome; Hypogonadotropic hypogonadism 5 with or without anosmia. Last evaluated: 2024-04-16. Review status: criteria provided, single submitter. Criteria: ACMG Guidelines, 2015. Collection method: clinical testing. Allele origin: germline.

PreventionGenetics, part of Exact Sciences
Classification: Uncertain significance for CHD7-related condition. Last evaluated: 2024-03-20. Review status: no assertion criteria provided. Collection method: clinical testing. Allele origin: germline. Not counted in ClinVar's aggregate classification.
Comment: The CHD7 c.6236A>C variant is predicted to result in the amino acid substitution p.Lys2079Thr. To our knowledge, this variant has not been reported in the literature. This variant is reported in 0.0065% of alleles in individuals of South Asian descent in gnomAD. At this time, the clinical significance of this variant is uncertain due to the absence of conclusive functional and genetic evidence.

NM_017780.4(CHD7):c.6236A>C (p.Lys2079Thr)

Gene: CHD7 (chromodomain helicase DNA binding protein 7; plus strand). Cytogenetic location: 8q12.2.
Variant type: single nucleotide variant.
Coding change: c.6236A>C on transcript NM_017780.4 (MANE Select); coding-DNA position 6236, A replaced by C.
Protein change: p.Lys2079Thr; replaces lysine 2079 with threonine.
Molecular consequence: missense variant. On other transcripts: intron variant (1).
Genome position (GRCh38, 1-based): chr8:60,852,961, A>C. VCF-style: chr8-60852961-A-C. GRCh37 (hg19) VCF-style: chr8-61765520-A-C.
Other names: c.6236A>C (NM_017780.2); c.1717-9268A>C (NM_001316690.1); short protein forms K2079T.
Identifiers: ClinVar variation 652922 (VCV000652922.17), dbSNP rs377497122, ClinGen allele CA4760555.
Genomic context (GRCh38, chr8:60,852,961, plus strand): 5'-AGCTGCTACGGAAGATCCGCGAGCAGGTTCTCCATCACCCCCAGCTGGGAGAGAGGCTTA[A>C]GCTCTGCCAGCCAAGCTTGGATCTGCCAGAGTGGTGGGAGTGTGGACGGCATGACCGAGA-3'
Protein context (NP_060250.2, residues 2069-2089): LHHPQLGERL[Lys2079Thr]LCQPSLDLPE